The following is an entry in ClinVar:

NM_001015877.2(PHF6):c.789T>G (p.Phe263Leu)

Gene: PHF6 (PHD finger protein 6; plus strand). Cytogenetic location: Xq26.2.
Variant type: single nucleotide variant.
Coding change: c.789T>G on transcript NM_001015877.2 (MANE Select); coding-DNA position 789, T replaced by G.
Protein change: p.Phe263Leu; replaces phenylalanine 263 with leucine.
Molecular consequence: missense variant.
Genome position (GRCh38, 1-based): chrX:134,415,075, T>G. VCF-style: chrX-134415075-T-G. GRCh37 (hg19) VCF-style: chrX-133549105-T-G.
Other names: c.792T>G, p.Phe264Leu (NM_032335.3); c.789T>G, p.Phe263Leu (NM_032458.3); short protein forms F263L, F264L.
Identifiers: ClinVar variation 3897565 (VCV003897565.1).

ClinVar aggregate classification (germline): Likely pathogenic (1 of 4 stars; one submission).

Conditions:
Borjeson-Forssman-Lehmann syndrome (BFLS). Also called: MENTAL RETARDATION, X-LINKED, SYNDROMIC, BORJESON-FORSSMAN-LEHMANN TYPE; MENTAL RETARDATION, EPILEPSY, AND ENDOCRINE DISORDERS; BORJESON SYNDROME. Identifiers: Orphanet 127, MedGen C0265339, MONDO:0010537, OMIM 301900.

Submission:

Clinical Genomics Laboratory, Stanford Medicine
Classification: Likely pathogenic for Borjeson-Forssman-Lehmann syndrome. Last evaluated: 2022-10-07. Review status: criteria provided, single submitter. Criteria: ACMG Guidelines, 2015. Collection method: clinical testing. Allele origin: de novo. Inheritance: X-linked recessive inheritance. Affected: yes. Observed: 1 variant allele, 1 hemizygote.
Comment: This variant was absent from large population databases, including the Genome Aggregation Database. This variant is located in the PHD of PHF6. Other pathogenic and likely pathogenic variants have been described in this domain. Computational tools predict that this variant is deleterious; however, the accuracy of in silico algorithms is limited. These data were assessed using the ACMG/AMP variant interpretation guidelines. In summary, there is sufficient evidence to classify the p.Phe263Leu variant as likely pathogenic for Borjeson-Forssman-Lehmann syndrome in an X-linked manner based on the information above. [ACMG evidence codes used: PS2_Moderate; PM1; PM2; PP3]